The following is an entry in ClinVar:

NM_153252.5(BRWD3):c.2463C>G (p.Asp821Glu)

Gene: BRWD3 (bromodomain and WD repeat domain containing 3; minus strand). Cytogenetic location: Xq21.1.
Variant type: single nucleotide variant.
Coding change: c.2463C>G on transcript NM_153252.5 (MANE Select); coding-DNA position 2463, C replaced by G.
Protein change: p.Asp821Glu; replaces aspartic acid 821 with glutamic acid.
Molecular consequence: missense variant.
Genome position (GRCh38, 1-based): chrX:80,709,440, G>C on the plus strand (C>G on the coding strand, the complement: BRWD3 is on the minus strand). VCF-style: chrX-80709440-G-C. GRCh37 (hg19) VCF-style: chrX-79964939-G-C.
Other names: short protein forms D821E.
Identifiers: ClinVar variation 3703552 (VCV003703552.2).
Genomic context (GRCh38, chrX:80,709,440, plus strand): 5'-ACTGGGAAACAAAAAACTACATCAAATAAATAATAGTATATATATAACCTCTGAAGAACT[G>C]TCTGAGTCTTCCTGTACACCTGAATTTTGACATGATGCCTGTGAATTATGCTCTATGTTG-3'
Protein context (NP_694984.5, residues 811-831): CQNSGVQEDS[Asp821Glu]SSSEEDETVG

ClinVar aggregate classification (germline): Uncertain significance (1 of 4 stars; one submission).

Submission:

Labcorp Genetics (formerly Invitae), Labcorp
Classification: Uncertain significance. Last evaluated: 2024-11-29. Review status: criteria provided, single submitter. Criteria: Invitae Variant Classification Sherloc (09022015). Collection method: clinical testing. Allele origin: germline.
Comment: This sequence change replaces aspartic acid, which is acidic and polar, with glutamic acid, which is acidic and polar, at codon 821 of the BRWD3 protein (p.Asp821Glu). This variant is not present in population databases (gnomAD no frequency). This variant has not been reported in the literature in individuals affected with BRWD3-related conditions. Invitae Evidence Modeling of protein sequence and biophysical properties (such as structural, functional, and spatial information, amino acid conservation, physicochemical variation, residue mobility, and thermodynamic stability) indicates that this missense variant is not expected to disrupt BRWD3 protein function with a negative predictive value of 80%. In summary, the available evidence is currently insufficient to determine the role of this variant in disease. Therefore, it has been classified as a Variant of Uncertain Significance.